The following is an entry in ClinVar:

ClinVar aggregate classification (germline): Uncertain significance (1 of 4 stars; one submission).

Conditions:
RYR1-related disorder. Also called: RYR1-related condition; RYR1-related disorders. Identifiers: MedGen CN239331.

Submission:

Labcorp Genetics (formerly Invitae), Labcorp
Classification: Uncertain significance for RYR1-related disorder. Last evaluated: 2025-12-08. Review status: criteria provided, single submitter. Criteria: Invitae Variant Classification Sherloc (09022015). Collection method: clinical testing. Allele origin: germline.
Comment: This sequence change replaces alanine, which is neutral and non-polar, with serine, which is neutral and polar, at codon 1988 of the RYR1 protein (p.Ala1988Ser). This variant is not present in population databases (gnomAD no frequency). This variant has not been reported in the literature in individuals affected with RYR1-related conditions. Invitae Evidence Modeling of protein sequence and biophysical properties (such as structural, functional, and spatial information, amino acid conservation, physicochemical variation, residue mobility, and thermodynamic stability) indicates that this missense variant is not expected to disrupt RYR1 protein function with a negative predictive value of 80%. In summary, the available evidence is currently insufficient to determine the role of this variant in disease. Therefore, it has been classified as a Variant of Uncertain Significance.

NM_000540.3(RYR1):c.5962G>T (p.Ala1988Ser)

Gene: RYR1 (ryanodine receptor 1; plus strand). Cytogenetic location: 19q13.2.
Variant type: single nucleotide variant.
Coding change: c.5962G>T on transcript NM_000540.3 (MANE Select); coding-DNA position 5962, G replaced by T.
Protein change: p.Ala1988Ser; replaces alanine 1988 with serine.
Molecular consequence: missense variant.
Genome position (GRCh38, 1-based): chr19:38,490,223, G>T. VCF-style: chr19-38490223-G-T. GRCh37 (hg19) VCF-style: chr19-38980863-G-T.
Other names: c.5962G>T, p.Ala1988Ser (NM_001042723.2); short protein forms A1988S.
Identifiers: ClinVar variation 4738877 (VCV004738877.1).